The following is an entry in ClinVar:

NM_000140.5(FECH):c.1217G>A (p.Cys406Tyr)

Gene: FECH (ferrochelatase; minus strand). Cytogenetic location: 18q21.31.
Variant type: single nucleotide variant.
Coding change: c.1217G>A on transcript NM_000140.5 (MANE Select); coding-DNA position 1217, G replaced by A.
Protein change: p.Cys406Tyr; replaces cysteine 406 with tyrosine.
Molecular consequence: missense variant.
Genome position (GRCh38, 1-based): chr18:57,550,767, C>T on the plus strand (G>A on the coding strand, the complement: FECH is on the minus strand). VCF-style: chr18-57550767-C-T. GRCh37 (hg19) VCF-style: chr18-55217999-C-T.
Other names: p.Cys406Tyr; c.1235G>A, p.Cys412Tyr (NM_001012515.4); c.1118G>A, p.Cys373Tyr (NM_001371094.1); c.1001G>A, p.Cys334Tyr (NM_001371095.1); c.1157G>A, p.Cys386Tyr (NM_001374778.1); c.1217G>A (NM_000140.4); short protein forms C334Y, C373Y, C406Y, C386Y, C412Y.
Identifiers: ClinVar variation 1409435 (VCV001409435.10), dbSNP rs1324421474, ClinGen allele CA402538933.

ClinVar aggregate classification (germline): Pathogenic. Review status: criteria provided, multiple submitters, no conflicts (2 of 4 stars). 3 submissions from 3 submitters: Pathogenic (3). Last evaluated 2025-12-09.

Conditions:
Protoporphyria, erythropoietic, 1 (EPP1). Also called: Erythropoietic Protoporphyria, Autosomal Recessive; FERROCHELATASE DEFICIENCY; HEME SYNTHETASE DEFICIENCY. Identifiers: Orphanet 79278, MedGen C4692546, MONDO:0008319, OMIM 177000.

Allele frequency attached by ClinVar (database versions not stated): gnomAD 0.00001; gnomAD exomes 0.00001; TOPMed 0.00002.
gnomAD v4.1: 5 of 1,614,058 alleles (0.00031%); highest among the groups gnomAD compares: African/African-American, 0.0013%; no homozygotes.

Submissions (3):

Labcorp Genetics (formerly Invitae), Labcorp
Classification: Pathogenic. Last evaluated: 2025-12-09. Review status: criteria provided, single submitter. Criteria: Invitae Variant Classification Sherloc (09022015). Collection method: clinical testing. Allele origin: germline.
Comment: This sequence change replaces cysteine, which is neutral and slightly polar, with tyrosine, which is neutral and polar, at codon 406 of the FECH protein (p.Cys406Tyr). This variant is not present in population databases (gnomAD no frequency). This missense change has been observed in individual(s) with erythropoietic protoporphyria (PMID: 10942404, 28614581, 33275677; internal data). In at least one individual the data is consistent with being in trans (on the opposite chromosome) from a pathogenic variant. It has also been observed to segregate with disease in related individuals. ClinVar contains an entry for this variant (Variation ID: 1409435). Invitae Evidence Modeling of protein sequence and biophysical properties (such as structural, functional, and spatial information, amino acid conservation, physicochemical variation, residue mobility, and thermodynamic stability) indicates that this missense variant is expected to disrupt FECH protein function with a positive predictive value of 80%. For these reasons, this variant has been classified as Pathogenic.

Mayo Clinic Laboratories, Mayo Clinic
Classification: Pathogenic. Last evaluated: 2025-03-31. Review status: criteria provided, single submitter. Criteria: ACMG Guidelines, 2015. Collection method: clinical testing. Allele origin: germline. Observed: 2 variant alleles.
Comment: PP3, PP4, PM2_moderate, PS3, PS4_moderate

Provincial Medical Genetics Program of British Columbia, University of British Columbia
Classification: Pathogenic for Protoporphyria, erythropoietic, 1. Last evaluated: 2022-01-01. Review status: criteria provided, single submitter. Criteria: ACMG Guidelines, 2015. Collection method: clinical testing. Allele origin: maternal. Affected: yes.

Literature cited by the submitters: PubMed 10942404 (cited by Labcorp Genetics (formerly Invitae), Labcorp and Mayo Clinic Laboratories, Mayo Clinic); PubMed 28614581 (cited by Labcorp Genetics (formerly Invitae), Labcorp and Mayo Clinic Laboratories, Mayo Clinic); PubMed 33275677 (cited by Labcorp Genetics (formerly Invitae), Labcorp and Mayo Clinic Laboratories, Mayo Clinic).